The following is an entry in ClinVar:

NM_206937.2(LIG4):c.592G>A (p.Val198Ile)

Gene: LIG4 (DNA ligase 4; minus strand). Cytogenetic location: 13q33.3.
Variant type: single nucleotide variant.
Coding change: c.592G>A on transcript NM_206937.2 (MANE Select); coding-DNA position 592, G replaced by A.
Protein change: p.Val198Ile; replaces valine 198 with isoleucine.
Molecular consequence: missense variant.
Genome position (GRCh38, 1-based): chr13:108,210,677, C>T on the plus strand (G>A on the coding strand, the complement: LIG4 is on the minus strand). VCF-style: chr13-108210677-C-T. GRCh37 (hg19) VCF-style: chr13-108863025-C-T.
Other names: c.592G>A, p.Val198Ile (NM_001098268.2, NM_001352598.2, NM_001352599.2 and 6 more transcripts); c.391G>A, p.Val131Ile (NM_001330595.2); c.628G>A, p.Val210Ile (NM_001352604.2); short protein forms V131I, V198I, V210I.
Identifiers: ClinVar variation 1041614 (VCV001041614.5), dbSNP rs151152559, ClinGen allele CA7043822.
Genomic context (GRCh38, chr13:108,210,677, plus strand): 5'-TGACATTATGCAACTCAGCAGCATCATTATGAAAAACAGAAAAGATAGTTTGCTGACTAA[C>T]ACCAAGCTTTAAATCCTTTATGATCATCCGTATAAGCCACTTTTGCTCAAGTGCTGAACT-3'
Protein context (NP_996820.1, residues 188-208): RMIIKDLKLG[Val198Ile]SQQTIFSVFH

ClinVar aggregate classification (germline): Uncertain significance. Review status: criteria provided, multiple submitters, no conflicts (2 of 4 stars). 2 submissions from 2 submitters: Uncertain significance (2). Last evaluated 2025-04-28.

Conditions:
DNA ligase IV deficiency. Identifiers: Orphanet 99812, MedGen C1847827, MONDO:0011686, OMIM 606593.
Inborn genetic diseases. Identifiers: MedGen C0950123, MeSH D030342.

Allele frequency attached by ClinVar (database versions not stated): gnomAD exomes below 0.00001; ExAC 0.00001; gnomAD 0.00004; ESP Exome Variant Server 0.00008; TOPMed 0.00009.
gnomAD v4.1: 12 of 1,613,836 alleles (0.00074%); highest among the groups gnomAD compares: African/African-American, 0.015%; no homozygotes.

Submissions (2):

Labcorp Genetics (formerly Invitae), Labcorp
Classification: Uncertain significance for DNA ligase IV deficiency. Last evaluated: 2025-04-28. Review status: criteria provided, single submitter. Criteria: Invitae Variant Classification Sherloc (09022015). Collection method: clinical testing. Allele origin: germline.
Comment: This sequence change replaces valine, which is neutral and non-polar, with isoleucine, which is neutral and non-polar, at codon 198 of the LIG4 protein (p.Val198Ile). This variant is present in population databases (rs151152559, gnomAD 0.008%). This variant has not been reported in the literature in individuals affected with LIG4-related conditions. ClinVar contains an entry for this variant (Variation ID: 1041614). Invitae Evidence Modeling of protein sequence and biophysical properties (such as structural, functional, and spatial information, amino acid conservation, physicochemical variation, residue mobility, and thermodynamic stability) indicates that this missense variant is not expected to disrupt LIG4 protein function with a negative predictive value of 95%. In summary, the available evidence is currently insufficient to determine the role of this variant in disease. Therefore, it has been classified as a Variant of Uncertain Significance.

Ambry Genetics
Classification: Uncertain significance for Inborn genetic diseases. Last evaluated: 2024-05-10. Review status: criteria provided, single submitter. Criteria: Ambry Variant Classification Scheme 2023. Collection method: clinical testing. Allele origin: germline.